The following is an entry in ClinVar:

ClinVar aggregate classification (germline): Uncertain significance (1 of 4 stars; one submission).

Conditions:
Cone-rod dystrophy 6 (CORD6). Also called: RETINAL CONE DYSTROPHY 2; Cone dystrophy progressive. Identifiers: Orphanet 1872, MedGen C1866293, MONDO:0011143, OMIM 601777.
Leber congenital amaurosis 1 (LCA1). Also called: Congenital absence of the rods and cones; Leber's congenital tapetoretinal degeneration; Leber's congenital tapetoretinal dysplasia; RETINAL BLINDNESS, CONGENITAL; AMAUROSIS CONGENITA OF LEBER I. Identifiers: Orphanet 65, MedGen C2931258, MONDO:0008764, OMIM 204000.

Allele frequency attached by ClinVar (database versions not stated): gnomAD exomes below 0.00001; TOPMed below 0.00001; gnomAD 0.00001.

Submission:

Labcorp Genetics (formerly Invitae), Labcorp
Classification: Uncertain significance for Leber congenital amaurosis 1; Cone-rod dystrophy 6. Last evaluated: 2025-06-17. Review status: criteria provided, single submitter. Criteria: Invitae Variant Classification Sherloc (09022015). Collection method: clinical testing. Allele origin: germline.
Comment: This sequence change replaces arginine, which is basic and polar, with glutamine, which is neutral and polar, at codon 31 of the GUCY2D protein (p.Arg31Gln). This variant is present in population databases (no rsID available, gnomAD 0.01%). This variant has not been reported in the literature in individuals affected with GUCY2D-related conditions. ClinVar contains an entry for this variant (Variation ID: 2198323). Invitae Evidence Modeling of protein sequence and biophysical properties (such as structural, functional, and spatial information, amino acid conservation, physicochemical variation, residue mobility, and thermodynamic stability) indicates that this missense variant is not expected to disrupt GUCY2D protein function with a negative predictive value of 95%. In summary, the available evidence is currently insufficient to determine the role of this variant in disease. Therefore, it has been classified as a Variant of Uncertain Significance.

NM_000180.4(GUCY2D):c.92G>A (p.Arg31Gln)

Gene: GUCY2D (guanylate cyclase 2D, retinal; plus strand). Cytogenetic location: 17p13.1.
Variant type: single nucleotide variant.
Coding change: c.92G>A on transcript NM_000180.4 (MANE Select); coding-DNA position 92, G replaced by A.
Protein change: p.Arg31Gln; replaces arginine 31 with glutamine.
Molecular consequence: missense variant.
Genome position (GRCh38, 1-based): chr17:8,003,139, G>A. VCF-style: chr17-8003139-G-A. GRCh37 (hg19) VCF-style: chr17-7906457-G-A.
Other names: short protein forms R31Q.
Identifiers: ClinVar variation 2198323 (VCV002198323.4), dbSNP rs1484916911, ClinGen allele CA397942692.